The following is an entry in ClinVar:

NM_001244008.2(KIF1A):c.3729T>G (p.Cys1243Trp)

Gene: KIF1A (kinesin family member 1A; minus strand). Cytogenetic location: 2q37.3.
Variant type: single nucleotide variant.
Coding change: c.3729T>G on transcript NM_001244008.2 (MANE Select); coding-DNA position 3729, T replaced by G.
Protein change: p.Cys1243Trp; replaces cysteine 1243 with tryptophan.
Molecular consequence: missense variant.
Genome position (GRCh38, 1-based): chr2:240,741,289, A>C on the plus strand (T>G on the coding strand, the complement: KIF1A is on the minus strand). VCF-style: chr2-240741289-A-C. GRCh37 (hg19) VCF-style: chr2-241680706-A-C.
Other names: c.3453T>G, p.Cys1151Trp (NM_001320705.2, NM_001330289.2, NM_001379638.1); c.3528T>G, p.Cys1176Trp (NM_001330290.2, NM_001379634.1, NM_001379635.1 and 1 more transcripts); c.3804T>G, p.Cys1268Trp (NM_001379631.1); c.3678T>G, p.Cys1226Trp (NM_001379632.1); c.3702T>G, p.Cys1234Trp (NM_001379633.1, NM_001379642.1, NM_001379645.1); c.3426T>G, p.Cys1142Trp (NM_001379636.1, NM_001379639.1, NM_001379641.1 and 5 more transcripts); c.3501T>G, p.Cys1167Trp (NM_001379637.1, NM_001379648.1); c.3423T>G, p.Cys1141Trp (NM_001379640.1); short protein forms C1141W, C1142W, C1151W, C1167W, C1176W, C1226W, C1234W, C1243W.
Identifiers: ClinVar variation 3750962 (VCV003750962.2).
Genomic context (GRCh38, chr2:240,741,289, plus strand): 5'-CACACACTCACGCCCTGGGGGCCCCAGCACCAGCACTCACTCGCCGTTGGCCTCCAGCTC[A>C]CAGATCTCGAAGTAGACCAGCAGGTCGTACTTGCAGTGGCAGGGTCCCGGACAGGGCCGC-3'
Protein context (NP_001230937.1, residues 1233-1253): KYDLLVYFEI[Cys1243Trp]ELEANGDYIP

ClinVar aggregate classification (germline): Uncertain significance (1 of 4 stars; one submission).

Conditions:
Neuropathy, hereditary sensory, type 2C. Also called: KIF1A-Related HSAN2 (HSAN2C); Hereditary sensory and autonomic neuropathy type IIC. Identifiers: Orphanet 970, MedGen C3280168, MONDO:0013634, OMIM 614213.
Hereditary spastic paraplegia 30. Identifiers: Orphanet 101010, MedGen C5235139, MONDO:0012476.
Intellectual disability, autosomal dominant 9 (NESCAVS). Also called: KIF1A-Related Neurodevelopmental Disorder; NESCAV SYNDROME. Identifiers: Orphanet 662367, MedGen C5393830, MONDO:0013656, OMIM 614255.

Submission:

Labcorp Genetics (formerly Invitae), Labcorp
Classification: Uncertain significance for Hereditary spastic paraplegia 30; Neuropathy, hereditary sensory, type 2C; Intellectual disability, autosomal dominant 9. Last evaluated: 2024-04-17. Review status: criteria provided, single submitter. Criteria: Invitae Variant Classification Sherloc (09022015). Collection method: clinical testing. Allele origin: germline.
Comment: This sequence change replaces cysteine, which is neutral and slightly polar, with tryptophan, which is neutral and slightly polar, at codon 1142 of the KIF1A protein (p.Cys1142Trp). This variant is not present in population databases (gnomAD no frequency). This variant has not been reported in the literature in individuals affected with KIF1A-related conditions. Advanced modeling of protein sequence and biophysical properties (such as structural, functional, and spatial information, amino acid conservation, physicochemical variation, residue mobility, and thermodynamic stability) performed at Invitae indicates that this missense variant is not expected to disrupt KIF1A protein function with a negative predictive value of 95%. In summary, the available evidence is currently insufficient to determine the role of this variant in disease. Therefore, it has been classified as a Variant of Uncertain Significance.